The following is an entry in ClinVar:

ClinVar aggregate classification (germline): Uncertain significance (1 of 4 stars; one submission).

Conditions:
Dyskeratosis congenita, autosomal recessive 6 (DKCB6). Identifiers: MedGen C4225356, MONDO:0014600, OMIM 616353.
Pulmonary fibrosis and/or bone marrow failure, Telomere-related, 4. Also called: PULMONARY FIBROSIS AND/OR BONE MARROW FAILURE SYNDROME, TELOMERE-RELATED, 4. Identifiers: Orphanet 2032, MedGen C4225347, MONDO:0014612, OMIM 616371.

gnomAD v4.1: 2 of 1,565,950 alleles (0.00013%); highest among the groups gnomAD compares: Admixed American, 0.0038%; no homozygotes.

Submission:

Labcorp Genetics (formerly Invitae), Labcorp
Classification: Uncertain significance for Dyskeratosis congenita, autosomal recessive 6; Pulmonary fibrosis and/or bone marrow failure, Telomere-related, 4. Last evaluated: 2026-01-24. Review status: criteria provided, single submitter. Criteria: Invitae Variant Classification Sherloc (09022015). Collection method: clinical testing. Allele origin: germline.
Comment: This sequence change falls in intron 3 of the PARN gene. It does not directly change the encoded amino acid sequence of the PARN protein. The frequency data for this variant in the population databases is considered unreliable, as metrics indicate poor data quality at this position in the gnomAD database. This variant has not been reported in the literature in individuals affected with PARN-related conditions. ClinVar contains an entry for this variant (Variation ID: 3753381). Algorithms developed to predict the effect of sequence changes on RNA splicing suggest that this variant may disrupt the consensus splice site. In summary, the available evidence is currently insufficient to determine the role of this variant in disease. Therefore, it has been classified as a Variant of Uncertain Significance.

NM_002582.4(PARN):c.178-17T>A

Gene: PARN (poly(A)-specific ribonuclease; minus strand). Cytogenetic location: 16p13.12.
Variant type: single nucleotide variant.
Coding change: c.178-17T>A on transcript NM_002582.4 (MANE Select); 17 bases into the intron before coding-DNA position 178, T replaced by A.
Molecular consequence: intron variant.
Genome position (GRCh38, 1-based): chr16:14,627,353, A>T on the plus strand (T>A on the coding strand, the complement: PARN is on the minus strand). VCF-style: chr16-14627353-A-T. GRCh37 (hg19) VCF-style: chr16-14721210-A-T.
Other names: c.-6-17T>A (NM_001134477.3); c.159-217T>A (NM_001242992.2).
Identifiers: ClinVar variation 3753381 (VCV003753381.2).